The following is an entry in ClinVar:

ClinVar aggregate classification (germline): Uncertain significance (1 of 4 stars; one submission).

gnomAD v4.1: 3 of 1,614,190 alleles (0.00019%); highest among the groups gnomAD compares: Non-Finnish European, 0.00025%; no homozygotes.

Submission:

Labcorp Genetics (formerly Invitae), Labcorp
Classification: Uncertain significance. Last evaluated: 2026-01-21. Review status: criteria provided, single submitter. Criteria: Invitae Variant Classification Sherloc (09022015). Collection method: clinical testing. Allele origin: germline.
Comment: This sequence change replaces methionine, which is neutral and non-polar, with valine, which is neutral and non-polar, at codon 252 of the EGF protein (p.Met252Val). This variant is not present in population databases (gnomAD no frequency). This variant has not been reported in the literature in individuals affected with EGF-related conditions. An algorithm developed to predict the effect of missense changes on protein structure and function outputs the following: PolyPhen-2: "Benign". The valine amino acid residue is found in multiple mammalian species, which suggests that this missense change does not adversely affect protein function. In summary, the available evidence is currently insufficient to determine the role of this variant in disease. Therefore, it has been classified as a Variant of Uncertain Significance.

NM_001963.6(EGF):c.754A>G (p.Met252Val)

Gene: EGF (epidermal growth factor; plus strand). Cytogenetic location: 4q25.
Variant type: single nucleotide variant.
Coding change: c.754A>G on transcript NM_001963.6 (MANE Select); coding-DNA position 754, A replaced by G.
Protein change: p.Met252Val; replaces methionine 252 with valine.
Molecular consequence: missense variant.
Genome position (GRCh38, 1-based): chr4:109,945,089, A>G. VCF-style: chr4-109945089-A-G. GRCh37 (hg19) VCF-style: chr4-110866245-A-G.
Other names: c.754A>G, p.Met252Val (NM_001178130.3, NM_001178131.3, NM_001357021.2); short protein forms M252V.
Identifiers: ClinVar variation 4773631 (VCV004773631.1).